The following is an entry in ClinVar:

NM_001130823.3(DNMT1):c.301C>T (p.Arg101Trp)

Gene: DNMT1 (DNA methyltransferase 1; minus strand). Cytogenetic location: 19p13.2.
Variant type: single nucleotide variant.
Coding change: c.301C>T on transcript NM_001130823.3 (MANE Select); coding-DNA position 301, C replaced by T.
Protein change: p.Arg101Trp; replaces arginine 101 with tryptophan.
Molecular consequence: missense variant. On other transcripts: 5 prime UTR variant (1).
Genome position (GRCh38, 1-based): chr19:10,180,494, G>A on the plus strand (C>T on the coding strand, the complement: DNMT1 is on the minus strand). VCF-style: chr19-10180494-G-A. GRCh37 (hg19) VCF-style: chr19-10291170-G-A.
Other names: p.Arg101Trp; c.301C>T, p.Arg101Trp (NM_001318730.2, NM_001379.4); c.-63C>T (NM_001318731.2); c.301C>T (LRG_362t1); short protein forms R101W.
Identifiers: ClinVar variation 577965 (VCV000577965.52), dbSNP rs369196079, ClinGen allele CA9188798.

ClinVar aggregate classification (germline): Conflicting classifications of pathogenicity. Review status: criteria provided, conflicting classifications (1 of 4 stars). 6 submissions from 6 submitters: Uncertain significance (1); Likely benign (5). Last evaluated 2026-09-15.

Conditions:
DNMT1-related disorder. Also called: DNMT1-related condition. Identifiers: MedGen CN381527.
Inborn genetic diseases. Identifiers: MedGen C0950123, MeSH D030342.
Hereditary sensory neuropathy-deafness-dementia syndrome. Also called: Hereditary Sensory and Autonomic Neuropathy Type 1E (HSAN1E); Hereditary sensory neuropathy type IE; HSN IE; NEUROPATHY, HEREDITARY SENSORY, WITH HEARING LOSS AND DEMENTIA. Identifiers: Orphanet 456318, MedGen C3279885, MONDO:0013584, OMIM 614116.

Allele frequency attached by ClinVar (database versions not stated): gnomAD exomes 0.00006 and 0.00009; ExAC 0.00007; ESP Exome Variant Server 0.00008; gnomAD 0.00013 and 0.00014; TOPMed 0.00014.
gnomAD v4.1: 140 of 1,613,936 alleles (0.0087%); highest among the groups gnomAD compares: African/African-American, 0.021%; no homozygotes.

Submissions (6):

PreventionGenetics, part of Exact Sciences
Classification: Likely benign for DNMT1-related condition. Last evaluated: 2026-09-15. Review status: criteria provided, single submitter. Criteria: ACMG Guidelines, 2015. Collection method: clinical testing. Allele origin: germline.
Comment: This variant is classified as likely benign based on ACMG/AMP sequence variant interpretation guidelines (Richards et al. 2015 PMID: 25741868, with internal and published modifications).

Labcorp Genetics (formerly Invitae), Labcorp
Classification: Likely benign for Hereditary sensory neuropathy-deafness-dementia syndrome. Last evaluated: 2025-04-11. Review status: criteria provided, single submitter. Criteria: Invitae Variant Classification Sherloc (09022015). Collection method: clinical testing. Allele origin: germline.

CeGaT Center for Human Genetics Tuebingen
Classification: Likely benign. Last evaluated: 2023-09-01. Review status: criteria provided, single submitter. Criteria: CeGaT Center For Human Genetics Tuebingen Variant Classification Criteria Version 2. Collection method: clinical testing. Allele origin: germline. Affected: yes. Observed: 2 variant alleles.
Comment: DNMT1: BP4, BS1

Mayo Clinic Laboratories, Mayo Clinic
Classification: Likely benign. Last evaluated: 2023-08-22. Review status: criteria provided, single submitter. Criteria: ACMG Guidelines, 2015. Collection method: clinical testing. Allele origin: germline. Observed: 2 variant alleles.
Comment: BS2, BP4_moderate

Genetic Services Laboratory, University of Chicago
Classification: Uncertain significance. Last evaluated: 2021-11-23. Review status: criteria provided, single submitter. Criteria: ACMG Guidelines, 2015. Collection method: clinical testing. Allele origin: germline. Affected: no.
Comment: This sequence change does not appear to have been previously described in individuals with DNMT1-related disorders. This sequence change has been described in the gnomAD database with a frequency of 0.036% in the African/African American subgroup (dbSNP rs369196079). The p.Arg101Trp change affects a poorly conserved amino acid residue located in a domain of the DNMT1 protein that is known to be functional. In-silico pathogenicity prediction tools (SIFT, PolyPhen2, Align GVGD, REVEL) provide contradictory results for the p.Arg101Trp substitution. Due to insufficient evidence and the lack of functional studies, the clinical significance of the p.Arg101Trp change remains unknown at this time.

Ambry Genetics
Classification: Likely benign for Inborn genetic diseases. Last evaluated: 2021-06-23. Review status: criteria provided, single submitter. Criteria: Ambry Variant Classification Scheme 2023. Collection method: clinical testing. Allele origin: germline.

Literature cited by the submitters: PubMed 36394275 (cited by Mayo Clinic Laboratories, Mayo Clinic).